The following is an entry in ClinVar:

NM_001015877.2(PHF6):c.374T>A (p.Met125Lys)

Gene: PHF6 (PHD finger protein 6; plus strand). Cytogenetic location: Xq26.2.
Variant type: single nucleotide variant.
Coding change: c.374T>A on transcript NM_001015877.2 (MANE Select); coding-DNA position 374, T replaced by A.
Protein change: p.Met125Lys; replaces methionine 125 with lysine.
Molecular consequence: missense variant.
Genome position (GRCh38, 1-based): chrX:134,393,634, T>A. VCF-style: chrX-134393634-T-A. GRCh37 (hg19) VCF-style: chrX-133527664-T-A.
Other names: c.374T>A, p.Met125Lys (NM_032335.3, NM_032458.3); c.374T>A (NM_032458.2); short protein forms M125K.
Identifiers: ClinVar variation 3011946 (VCV003011946.4), dbSNP rs1172498196, ClinGen allele CA414711798.

ClinVar aggregate classification (germline): Uncertain significance. Review status: criteria provided, multiple submitters, no conflicts (2 of 4 stars). 2 submissions from 2 submitters: Uncertain significance (2). Last evaluated 2026-06-26.

Conditions:
Borjeson-Forssman-Lehmann syndrome (BFLS). Also called: MENTAL RETARDATION, X-LINKED, SYNDROMIC, BORJESON-FORSSMAN-LEHMANN TYPE; MENTAL RETARDATION, EPILEPSY, AND ENDOCRINE DISORDERS; BORJESON SYNDROME. Identifiers: Orphanet 127, MedGen C0265339, MONDO:0010537, OMIM 301900.
PHF6-related disorder. Also called: PHF6-related condition.

Allele frequency attached by ClinVar (database versions not stated): TOPMed 0.00001; gnomAD 0.00003.

Submissions (2):

PreventionGenetics, part of Exact Sciences
Classification: Uncertain significance for PHF6-related condition. Last evaluated: 2026-06-26. Review status: criteria provided, single submitter. Criteria: ACMG Guidelines, 2015. Collection method: clinical testing. Allele origin: germline.
Comment: The PHF6 c.374T>A variant is predicted to result in the amino acid substitution p.Met125Lys. To our knowledge, this variant has not been reported in the literature or in a large population database (gnomAD), indicating this variant is rare. At this time, the clinical significance of this variant is uncertain due to the absence of conclusive functional and genetic evidence.

Labcorp Genetics (formerly Invitae), Labcorp
Classification: Uncertain significance for Borjeson-Forssman-Lehmann syndrome. Last evaluated: 2024-01-13. Review status: criteria provided, single submitter. Criteria: Invitae Variant Classification Sherloc (09022015). Collection method: clinical testing. Allele origin: germline.
Comment: This sequence change replaces methionine, which is neutral and non-polar, with lysine, which is basic and polar, at codon 125 of the PHF6 protein (p.Met125Lys). This variant is not present in population databases (gnomAD no frequency). This variant has not been reported in the literature in individuals affected with PHF6-related conditions. An algorithm developed to predict the effect of missense changes on protein structure and function (PolyPhen-2) suggests that this variant is likely to be tolerated. In summary, the available evidence is currently insufficient to determine the role of this variant in disease. Therefore, it has been classified as a Variant of Uncertain Significance.